The following is an entry in ClinVar:

ClinVar aggregate classification (germline): Benign (1 of 4 stars; one submission).

Allele frequency attached by ClinVar (database versions not stated): 1000 Genomes Project 0.80891; 1000 Genomes Project 30x 0.81277; TOPMed 0.85088; gnomAD 0.86671 and 0.86858.
gnomAD v4.1: 131,952 of 152,144 alleles (87%); highest among the groups gnomAD compares: Non-Finnish European, 94%; 57,694 homozygotes.

Submission:

GeneDx
Classification: Benign. Last evaluated: 2018-06-19. Review status: criteria provided, single submitter. Criteria: GeneDx Variant Classification (06012015). Collection method: clinical testing. Allele origin: germline. Affected: yes.
Comment: This variant is considered likely benign or benign based on one or more of the following criteria: it is a conservative change, it occurs at a poorly conserved position in the protein, it is predicted to be benign by multiple in silico algorithms, and/or has population frequency not consistent with disease.

NM_198525.3(KIF7):c.1788+303T>G

Gene: KIF7 (kinesin family member 7; minus strand). Cytogenetic location: 15q26.1.
Variant type: single nucleotide variant.
Coding change: c.1788+303T>G on transcript NM_198525.3 (MANE Select); 303 bases into the intron after coding-DNA position 1788, T replaced by G.
Molecular consequence: intron variant.
Genome position (GRCh38, 1-based): chr15:89,646,527, A>C on the plus strand (T>G on the coding strand, the complement: KIF7 is on the minus strand). VCF-style: chr15-89646527-A-C. GRCh37 (hg19) VCF-style: chr15-90189758-A-C.
Identifiers: ClinVar variation 683980 (VCV000683980.1), dbSNP rs6496588, ClinGen allele CA16512483.